The following is an entry in ClinVar:

ClinVar aggregate classification (germline): Uncertain significance (1 of 4 stars; one submission).

Allele frequency attached by ClinVar (database versions not stated): gnomAD 0.00002; ExAC 0.00004; gnomAD exomes 0.00003.
gnomAD v4.1: 41 of 1,613,730 alleles (0.0025%); highest among the groups gnomAD compares: East Asian, 0.013%; no homozygotes.

Submission:

CeGaT Center for Human Genetics Tuebingen
Classification: Uncertain significance. Last evaluated: 2023-12-01. Review status: criteria provided, single submitter. Criteria: CeGaT Center For Human Genetics Tuebingen Variant Classification Criteria Version 2. Collection method: clinical testing. Allele origin: germline. Affected: yes. Observed: 1 variant allele.
Comment: BCL11A: PP2, BP4

NM_001405708.1(BCL11A):c.*23C>T

Gene: BCL11A (BCL11 transcription factor A; minus strand). Cytogenetic location: 2p16.1.
Variant type: single nucleotide variant.
Coding change: c.*23C>T on transcript NM_001405708.1; 23 bases downstream of the stop codon, C replaced by T.
Molecular consequence: 3 prime UTR variant. On other transcripts: synonymous variant (9), missense variant (7), non-coding transcript variant (1).
Genome position (GRCh38, 1-based): chr2:60,452,646, G>A on the plus strand (C>T on the coding strand, the complement: BCL11A is on the minus strand). VCF-style: chr2-60452646-G-A. GRCh37 (hg19) VCF-style: chr2-60679781-G-A.
Other names: c.651C>T, p.Phe217= (NM_001405732.1, NM_138559.2); c.549C>T, p.Phe183= (NM_001405733.1); c.495C>T, p.Phe165= (NM_001405734.1, NM_001405735.1); c.393C>T, p.Phe131= (NM_001405736.1); c.2251C>T, p.Arg751Trp (NM_018014.4); c.2301C>T, p.Phe767= (NM_001363864.1); c.2403C>T, p.Phe801= (NM_001405710.1); c.*23C>T (NM_001405712.1, NM_001405715.1, NM_001405718.1 and 1 more transcripts); and 6 more; short protein forms R420W, R572W, R665W, R699W, R717W, R751W.
Identifiers: ClinVar variation 3025869 (VCV003025869.20), dbSNP rs751233129, ClinGen allele CA1670932.